The following is an entry in ClinVar:

ClinVar aggregate classification (germline): Uncertain significance. Review status: criteria provided, multiple submitters, no conflicts (2 of 4 stars). 2 submissions from 2 submitters: Uncertain significance (2). Last evaluated 2025-04-18.

Conditions:
Hereditary cancer-predisposing syndrome. Also called: Tumor predisposition; Neoplastic Syndromes, Hereditary; Hereditary Cancer Syndrome; Hereditary neoplastic syndrome. Identifiers: Orphanet 140162, MedGen C0027672, MeSH D009386, MONDO:0015356.
POLD1-related polyposis and colorectal cancer syndrome (CRCS10). Also called: Colorectal cancer 10; COLORECTAL CANCER, SUSCEPTIBILITY TO, ON CHROMOSOME 19q; Colorectal cancer, susceptibility to, 10. Identifiers: Orphanet 220460, MedGen C2675481, MONDO:0012953, OMIM 612591.

Submissions (2):

Ambry Genetics
Classification: Uncertain significance for Hereditary cancer-predisposing syndrome. Last evaluated: 2025-04-18. Review status: criteria provided, single submitter. Criteria: Ambry Variant Classification Scheme 2023. Collection method: clinical testing. Allele origin: germline.
Comment: The p.N743T variant (also known as c.2228A>C), located in coding exon 17 of the POLD1 gene, results from an A to C substitution at nucleotide position 2228. The asparagine at codon 743 is replaced by threonine, an amino acid with similar properties. This amino acid position is conserved. In addition, this alteration is predicted to be tolerated by in silico analysis. Based on the available evidence, the clinical significance of this variant remains unclear.

Labcorp Genetics (formerly Invitae), Labcorp
Classification: Uncertain significance for POLD1-related polyposis and colorectal cancer syndrome. Last evaluated: 2018-06-26. Review status: criteria provided, single submitter. Criteria: Invitae Variant Classification Sherloc (09022015). Collection method: clinical testing. Allele origin: germline.
Comment: In summary, the available evidence is currently insufficient to determine the role of this variant in disease. Therefore, it has been classified as a Variant of Uncertain Significance. Algorithms developed to predict the effect of missense changes on protein structure and function are either unavailable or do not agree on the potential impact of this missense change (SIFT: "Deleterious"; PolyPhen-2: "Possibly Damaging"; Align-GVGD: "Class C0"). This variant has not been reported in the literature in individuals with POLD1-related disease. This variant is not present in population databases (ExAC no frequency). This sequence change replaces asparagine with threonine at codon 743 of the POLD1 protein (p.Asn743Thr). The asparagine residue is highly conserved and there is a small physicochemical difference between asparagine and threonine.

NM_002691.4(POLD1):c.2228A>C (p.Asn743Thr)

Gene: POLD1 (DNA polymerase delta 1, catalytic subunit; plus strand). Cytogenetic location: 19q13.33.
Variant type: single nucleotide variant.
Coding change: c.2228A>C on transcript NM_002691.4 (MANE Select); coding-DNA position 2228, A replaced by C.
Protein change: p.Asn743Thr; replaces asparagine 743 with threonine.
Molecular consequence: missense variant. On other transcripts: non-coding transcript variant (1).
Genome position (GRCh38, 1-based): chr19:50,413,499, A>C. VCF-style: chr19-50413499-A-C. GRCh37 (hg19) VCF-style: chr19-50916756-A-C.
Other names: c.2228A>C, p.Asn743Thr (NM_001256849.1); c.2306A>C, p.Asn769Thr (NM_001308632.1); c.2228A>C (NM_002691.2); short protein forms N743T, N769T.
Identifiers: ClinVar variation 577169 (VCV000577169.9), dbSNP rs997563069, ClinGen allele CA406983754.